The following is an entry in ClinVar:

ClinVar aggregate classification (germline): Uncertain significance. Review status: criteria provided, multiple submitters, no conflicts (2 of 4 stars). 2 submissions from 2 submitters: Uncertain significance (2). Last evaluated 2023-07-19.

Conditions:
DICER1-related tumor predisposition. Also called: DICER1-related pleuropulmonary blastoma cancer predisposition syndrome; DICER1 syndrome. Identifiers: Orphanet 284343, MedGen C3839822, MONDO:0100216.

Submissions (2):

Labcorp Genetics (formerly Invitae), Labcorp
Classification: Uncertain significance for DICER1-related tumor predisposition. Last evaluated: 2023-07-19. Review status: criteria provided, single submitter. Criteria: Invitae Variant Classification Sherloc (09022015). Collection method: clinical testing. Allele origin: germline.
Comment: In summary, the available evidence is currently insufficient to determine the role of this variant in disease. Therefore, it has been classified as a Variant of Uncertain Significance. An algorithm developed to predict the effect of missense changes on protein structure and function (PolyPhen-2) suggests that this variant is likely to be disruptive. This variant has not been reported in the literature in individuals affected with DICER1-related conditions. This variant is not present in population databases (gnomAD no frequency). This sequence change replaces lysine, which is basic and polar, with methionine, which is neutral and non-polar, at codon 1465 of the DICER1 protein (p.Lys1465Met).

GeneDx
Classification: Uncertain significance. Last evaluated: 2023-05-15. Review status: criteria provided, single submitter. Criteria: GeneDx Variant Classification Process June 2021. Collection method: clinical testing. Allele origin: germline. Affected: yes.
Comment: Not observed at significant frequency in large population cohorts (gnomAD); In silico analysis supports that this missense variant does not alter protein structure/function; Has not been previously published as pathogenic or benign to our knowledge

NM_177438.3(DICER1):c.4394A>T (p.Lys1465Met)

Gene: DICER1 (dicer 1, ribonuclease III; minus strand). Cytogenetic location: 14q32.13.
Variant type: single nucleotide variant.
Coding change: c.4394A>T on transcript NM_177438.3 (MANE Select); coding-DNA position 4394, A replaced by T.
Protein change: p.Lys1465Met; replaces lysine 1465 with methionine.
Molecular consequence: missense variant. On other transcripts: non-coding transcript variant (6).
Genome position (GRCh38, 1-based): chr14:95,096,526, T>A on the plus strand (A>T on the coding strand, the complement: DICER1 is on the minus strand). VCF-style: chr14-95096526-T-A. GRCh37 (hg19) VCF-style: chr14-95562863-T-A.
Other names: c.4394A>T, p.Lys1465Met (NM_001195573.1, NM_001271282.3, NM_001291628.2 and 13 more transcripts); c.4112A>T, p.Lys1371Met (NM_001395686.1); c.3989A>T, p.Lys1330Met (NM_001395687.1, NM_001395688.1, NM_001395689.1 and 2 more transcripts); c.3827A>T, p.Lys1276Met (NM_001395691.1); c.2711A>T, p.Lys904Met (NM_001395697.1); short protein forms K1276M, K1330M, K1371M, K1465M, K904M.
Identifiers: ClinVar variation 2662282 (VCV002662282.4), dbSNP rs2542505984, ClinGen allele CA390868852.